The following is an entry in ClinVar:

NM_016343.4(CENPF):c.9280C>T (p.Arg3094Ter)

Gene: CENPF (centromere protein F; plus strand). Cytogenetic location: 1q41.
Variant type: single nucleotide variant.
Coding change: c.9280C>T on transcript NM_016343.4 (MANE Select); coding-DNA position 9280, C replaced by T.
Protein change: p.Arg3094Ter; replaces arginine 3094 with a stop codon.
Molecular consequence: nonsense.
Genome position (GRCh38, 1-based): chr1:214,663,729, C>T. VCF-style: chr1-214663729-C-T. GRCh37 (hg19) VCF-style: chr1-214837072-C-T.
Other names: short protein forms R3094*.
Identifiers: ClinVar variation 224502 (VCV000224502.7), dbSNP rs869312748, ClinGen allele CA353478.

ClinVar aggregate classification (germline): Likely pathogenic. Review status: criteria provided, multiple submitters, no conflicts (2 of 4 stars). 3 submissions from 3 submitters: Likely pathogenic (2). 1 of the submissions does not count toward it. Last evaluated 2025-12-03.

Conditions:
Stromme syndrome (STROMS). Also called: Ciliary dyskinesia, primary, 31; APPLE PEEL SYNDROME WITH MICROCEPHALY AND OCULAR ANOMALIES; Strømme Syndrome. Identifiers: Orphanet 444069, Orphanet 506307, MedGen C1855705, MONDO:0009477, OMIM 243605.

Allele frequency attached by ClinVar (database versions not stated): TOPMed 0.00001; gnomAD 0.00001; gnomAD exomes below 0.00001.
gnomAD v4.1: 11 of 1,613,934 alleles (0.00068%); highest among the groups gnomAD compares: Non-Finnish European, 0.00059%; no homozygotes.

Submissions (3):

Dasa
Classification: Likely pathogenic. Last evaluated: 2025-12-03. Review status: criteria provided, single submitter. Criteria: DASA Assertion Criteria. Collection method: clinical testing. Allele origin: germline.
Comment: NM_016343.4(CENPF):c.9280C>T (p.Arg3094*) is a nonsense variant in CENPF predicted to introduce a premature termination codon and is predicted to result in an absent or altered protein product. Loss of function is an established disease mechanism for CENPF-associated disorders. This variant has been recurrently observed in individuals with CENPF-related disorders (PMID: 35001526; PMID: 26820108). Also, this variant is rare in population databases. Based on the currently available evidence, this variant is classified as likely pathogenic.

MGZ Medical Genetics Center
Classification: Likely pathogenic for Stromme syndrome. Last evaluated: 2022-04-04. Review status: criteria provided, single submitter. Criteria: ACMG Guidelines, 2015. Collection method: clinical testing. Allele origin: germline. Affected: yes. Observed: 1 variant allele.
Comment: ACMG criteria applied: PVS1, PM2_SUP

OMIM
Classification: Pathogenic for STROMME SYNDROME. Last evaluated: 2025-02-19. Review status: no assertion criteria provided. Collection method: literature only. Allele origin: germline. Not counted in ClinVar's aggregate classification.

Literature cited by the submitters: PubMed 35001526 (cited by Dasa); PubMed 26820108 (cited by Dasa); PubMed 30679815 (cited by Dasa); Filges, I., Bruder, E., Brandal, K., Meier, S., Undlien, D. E., Waage, T. R., Hoesli, I., Schubach, M., de Beer, T., Sheng, Y., Hoeller, S., Schulzke, S., Rosby, O., Miny, P., Tercanli, S., Oppedal, T., Meyer, P., Selmer, K. K., Stromme, P. Stromme syndrome is a ciliary disorder caused by mutations in CENPF. Hum. Mutat. 37: 359-363, 2016. Note: Erratum: Hum. Mutat. 37: 711 only, 2016. (cited by OMIM).